The following is an entry in ClinVar:

ClinVar aggregate classification (germline): Likely pathogenic (0 of 4 stars; one submission).

Conditions:
Familial cardiomyopathy. Identifiers: MedGen C0264789, MONDO:0005217.

Submission:

Evolutionary and Medical Genetics Laboratory,  Centre for Cellular and Molecular Biology
Classification: Likely pathogenic. Review status: no assertion criteria provided. Collection method: not provided. Allele origin: unknown.
Comment: Missense mutation/Non-synonymous
ClinVar note: Converted during submission from probable-pathogenic to Likely pathogenic.

NM_000257.4(MYH7):c.1267G>A (p.Ala423Thr)

Gene: MYH7 (myosin heavy chain 7; minus strand). Cytogenetic location: 14q11.2.
Variant type: single nucleotide variant.
Coding change: c.1267G>A on transcript NM_000257.4 (MANE Select); coding-DNA position 1267, G replaced by A.
Protein change: p.Ala423Thr; replaces alanine 423 with threonine.
Molecular consequence: missense variant.
Genome position (GRCh38, 1-based): chr14:23,429,095, C>T on the plus strand (G>A on the coding strand, the complement: MYH7 is on the minus strand). VCF-style: chr14-23429095-C-T. GRCh37 (hg19) VCF-style: chr14-23898304-C-T.
Other names: short protein forms A423T.
Identifiers: ClinVar variation 132928 (VCV000132928.2), dbSNP rs606231321, ClinGen allele CA010450.